The following is an entry in ClinVar:

NM_033305.3(VPS13A):c.209del (p.Pro70fs)

Gene: VPS13A (vacuolar protein sorting 13 homolog A; plus strand). Cytogenetic location: 9q21.2.
Variant type: Deletion.
Coding change: c.209del on transcript NM_033305.3 (MANE Select); coding-DNA position 209, one base deleted (C; older notation c.209delC).
Protein change: p.Pro70fs; shifts the reading frame from proline 70.
Molecular consequence: frameshift variant.
Genome position (GRCh38, 1-based): chr9:77,205,334, C deleted; the last of 2 consecutive C bases (chr9:77,205,333-77,205,334); deleting either gives the same sequence. VCF-style (leftmost placement, unchanged base first): chr9-77205332-TC-T. GRCh37 (hg19) VCF-style: chr9-79820248-TC-T.
Other names: c.209del, p.Pro70fs (NM_001018037.2, NM_001018038.3, NM_015186.4); short protein forms P70fs.
Identifiers: ClinVar variation 1433089 (VCV001433089.8), dbSNP rs2131122992, ClinGen allele CA2573144769.

ClinVar aggregate classification (germline): Pathogenic. Review status: criteria provided, multiple submitters, no conflicts (2 of 4 stars). 2 submissions from 2 submitters: Pathogenic (2). Last evaluated 2025-04-02.

Conditions:
VPS13A-related neurodegenerative disease. Also called: Choreoacanthocytosis; Chorea-acanthocytosis; Choreaacanthocytosis; VPS13A Disease; ACANTHOCYTOSIS WITH NEUROLOGIC DISORDER; LEVINE-CRITCHLEY SYNDROME. Identifiers: Orphanet 2388, MedGen C0393576, MONDO:0008695, OMIM 200150.

Submissions (2):

Myriad Genetics, Inc.
Classification: Pathogenic for VPS13A-related neurodegenerative disease. Last evaluated: 2025-04-02. Review status: criteria provided, single submitter. Criteria: Myriad Autosomal Dominant, Autosomal Recessive and X-Linked Classification Criteria (2023). Collection method: clinical testing. Allele origin: unknown.
Comment: NM_033305.2(VPS13A):c.209delC(P70Hfs*21) is expected to be pathogenic in the context of VPS13A disease. This variant is predicted to lead to an abnormal or absent protein product due to the creation of a premature termination codon in VPS13A, a gene where loss-of-function variants are known to be pathogenic. Please note: this variant was assessed in the context of healthy population screening.

Labcorp Genetics (formerly Invitae), Labcorp
Classification: Pathogenic. Last evaluated: 2021-08-24. Review status: criteria provided, single submitter. Criteria: Invitae Variant Classification Sherloc (09022015). Collection method: clinical testing. Allele origin: germline.
Comment: For these reasons, this variant has been classified as Pathogenic. This variant has not been reported in the literature in individuals affected with VPS13A-related conditions. This variant is not present in population databases (ExAC no frequency). This sequence change creates a premature translational stop signal (p.Pro70Hisfs*21) in the VPS13A gene. It is expected to result in an absent or disrupted protein product. Loss-of-function variants in VPS13A are known to be pathogenic (PMID: 12404112, 21598378).

Literature cited by the submitters: PubMed 12404112 (cited by Labcorp Genetics (formerly Invitae), Labcorp); PubMed 21598378 (cited by Labcorp Genetics (formerly Invitae), Labcorp).